The following is an entry in ClinVar:

ClinVar aggregate classification (germline): Likely benign. Review status: criteria provided, multiple submitters, no conflicts (2 of 4 stars). 2 submissions from 2 submitters: Likely benign (2). Last evaluated 2026-03-01.

Allele frequency attached by ClinVar (database versions not stated): gnomAD exomes 0.00002; ExAC 0.00003; TOPMed 0.00008; gnomAD 0.00011; ESP Exome Variant Server 0.00015.
gnomAD v4.1: 44 of 1,613,202 alleles (0.0027%); highest among the groups gnomAD compares: African/African-American, 0.029%; no homozygotes.

Submissions (2):

CeGaT Center for Human Genetics Tuebingen
Classification: Likely benign. Last evaluated: 2026-03-01. Review status: criteria provided, single submitter. Criteria: CeGaT Center For Human Genetics Tuebingen Variant Classification Criteria Version 2. Collection method: clinical testing. Allele origin: germline. Affected: yes. Observed: 1 variant allele.
Comment: SPTBN2: BP4, BP7

Labcorp Genetics (formerly Invitae), Labcorp
Classification: Likely benign. Last evaluated: 2021-11-27. Review status: criteria provided, single submitter. Criteria: Invitae Variant Classification Sherloc (09022015). Collection method: clinical testing. Allele origin: germline.

NM_006946.4(SPTBN2):c.6114C>T (p.Ser2038=)

Gene: SPTBN2 (spectrin beta, non-erythrocytic 2; minus strand). Cytogenetic location: 11q13.2.
Variant type: single nucleotide variant.
Coding change: c.6114C>T on transcript NM_006946.4 (MANE Select); coding-DNA position 6114, C replaced by T.
Protein change: p.Ser2038=; no amino-acid change (serine 2038 retained).
Molecular consequence: synonymous variant.
Genome position (GRCh38, 1-based): chr11:66,688,770, G>A on the plus strand (C>T on the coding strand, the complement: SPTBN2 is on the minus strand). VCF-style: chr11-66688770-G-A. GRCh37 (hg19) VCF-style: chr11-66456241-G-A.
Identifiers: ClinVar variation 1544677 (VCV001544677.12), dbSNP rs140580417, ClinGen allele CA6128047.